The following is an entry in ClinVar:

ClinVar aggregate classification (germline): Uncertain significance (1 of 4 stars; one submission).

Submission:

Labcorp Genetics (formerly Invitae), Labcorp
Classification: Uncertain significance. Last evaluated: 2024-04-02. Review status: criteria provided, single submitter. Criteria: Invitae Variant Classification Sherloc (09022015). Collection method: clinical testing. Allele origin: germline.
Comment: This sequence change replaces aspartic acid, which is acidic and polar, with asparagine, which is neutral and polar, at codon 657 of the PPP1R15B protein (p.Asp657Asn). This variant is not present in population databases (gnomAD no frequency). This variant has not been reported in the literature in individuals affected with PPP1R15B-related conditions. Advanced modeling of protein sequence and biophysical properties (such as structural, functional, and spatial information, amino acid conservation, physicochemical variation, residue mobility, and thermodynamic stability) performed at Invitae indicates that this missense variant is expected to disrupt PPP1R15B protein function with a positive predictive value of 80%. In summary, the available evidence is currently insufficient to determine the role of this variant in disease. Therefore, it has been classified as a Variant of Uncertain Significance.

NM_032833.5(PPP1R15B):c.1969G>A (p.Asp657Asn)

Gene: PPP1R15B (protein phosphatase 1 regulatory subunit 15B; minus strand). Cytogenetic location: 1q32.1.
Variant type: single nucleotide variant.
Coding change: c.1969G>A on transcript NM_032833.5 (MANE Select); coding-DNA position 1969, G replaced by A.
Protein change: p.Asp657Asn; replaces aspartic acid 657 with asparagine.
Molecular consequence: missense variant.
Genome position (GRCh38, 1-based): chr1:204,406,265, C>T on the plus strand (G>A on the coding strand, the complement: PPP1R15B is on the minus strand). VCF-style: chr1-204406265-C-T. GRCh37 (hg19) VCF-style: chr1-204375393-C-T.
Other names: short protein forms D657N.
Identifiers: ClinVar variation 3647862 (VCV003647862.2).